The following is an entry in ClinVar:

NM_024996.7(GFM1):c.1199G>A (p.Arg400His)

Gene: GFM1 (G elongation factor mitochondrial 1; plus strand). Cytogenetic location: 3q25.32.
Variant type: single nucleotide variant.
Coding change: c.1199G>A on transcript NM_024996.7 (MANE Select); coding-DNA position 1199, G replaced by A.
Protein change: p.Arg400His; replaces arginine 400 with histidine.
Molecular consequence: missense variant. On other transcripts: non-coding transcript variant (4), intron variant (1).
Genome position (GRCh38, 1-based): chr3:158,659,037, G>A. VCF-style: chr3-158659037-G-A. GRCh37 (hg19) VCF-style: chr3-158376826-G-A.
Other names: c.1256G>A, p.Arg419His (NM_001308164.2); c.1199G>A, p.Arg400His (NM_001308166.2); c.1082G>A, p.Arg361His (NM_001374356.1); c.974G>A, p.Arg325His (NM_001374357.1); c.740G>A, p.Arg247His (NM_001374358.1); c.632G>A, p.Arg211His (NM_001374359.1, NM_001374360.1); c.515G>A, p.Arg172His (NM_001374361.1); c.1141-1837G>A (NM_001374355.1); and 1 more; short protein forms R211H, R419H, R247H, R325H, R400H, R172H, R361H.
Identifiers: ClinVar variation 2169308 (VCV002169308.3), dbSNP rs139692119, ClinGen allele CA2682556.
Genomic context (GRCh38, chr3:158,659,037, plus strand): 5'-AGGGTGACACCATCTATAACACAAGGACAAGAAAGAAAGTACGGTTGCAACGGCTGGCTC[G>A]CATGCATGCCGACATGATGGAGGCAAGTACAGAGTCATTGTGAGATTAGAAATTCCTCTG-3'
Protein context (NP_079272.4, residues 390-410): RKKVRLQRLA[Arg400His]MHADMMEDVE

ClinVar aggregate classification (germline): Uncertain significance. Review status: criteria provided, multiple submitters, no conflicts (2 of 4 stars). 3 submissions from 3 submitters: Uncertain significance (3). Last evaluated 2025-08-27.

Conditions:
Inborn genetic diseases. Identifiers: MedGen C0950123, MeSH D030342.

Allele frequency attached by ClinVar (database versions not stated): 1000 Genomes Project 30x 0.00047.

Submissions (3):

Ambry Genetics
Classification: Uncertain significance for Inborn genetic diseases. Last evaluated: 2025-08-27. Review status: criteria provided, single submitter. Criteria: Ambry Variant Classification Scheme 2023. Collection method: clinical testing. Allele origin: germline.

Blueprint Genetics
Classification: Uncertain significance. Last evaluated: 2024-05-23. Review status: criteria provided, single submitter. Criteria: ACMG Guidelines, 2015. Collection method: clinical testing. Allele origin: germline.

Labcorp Genetics (formerly Invitae), Labcorp
Classification: Uncertain significance. Last evaluated: 2022-08-10. Review status: criteria provided, single submitter. Criteria: Invitae Variant Classification Sherloc (09022015). Collection method: clinical testing. Allele origin: germline.
Comment: This sequence change replaces arginine, which is basic and polar, with histidine, which is basic and polar, at codon 400 of the GFM1 protein (p.Arg400His). This variant is present in population databases (rs139692119, gnomAD 0.003%). This variant has not been reported in the literature in individuals affected with GFM1-related conditions. Algorithms developed to predict the effect of missense changes on protein structure and function output the following: SIFT: "Deleterious"; PolyPhen-2: "Benign"; Align-GVGD: "Class C25". The histidine amino acid residue is found in multiple mammalian species, which suggests that this missense change does not adversely affect protein function. In summary, the available evidence is currently insufficient to determine the role of this variant in disease. Therefore, it has been classified as a Variant of Uncertain Significance.